The following is an entry in ClinVar:

NM_152564.5(VPS13B):c.11636dup (p.Gln3880fs)

Gene: VPS13B (vacuolar protein sorting 13 homolog B; plus strand). Cytogenetic location: 8q22.2.
Variant type: Duplication.
Coding change: c.11636dup on transcript NM_152564.5 (MANE Select); coding-DNA position 11636, one base duplicated (C; older notation c.11636dupC).
Protein change: p.Gln3880fs; shifts the reading frame from glutamine 3880.
Molecular consequence: frameshift variant.
Genome position (GRCh38, 1-based): chr8:99,871,588, C duplicated. VCF-style (leftmost placement, unchanged base first): chr8-99871587-A-AC. GRCh37 (hg19) VCF-style: chr8-100883815-A-AC.
Other names: c.11711dup, p.Gln3905fs (NM_017890.5); short protein forms Q3880fs, Q3905fs.
Identifiers: ClinVar variation 5003369 (VCV005003369.1).

ClinVar aggregate classification (germline): Pathogenic (1 of 4 stars; one submission).

Conditions:
Cohen syndrome (COH1). Also called: Cutis verticis gyrata, retinitis pigmentosa, and sensorineural deafness; PEPPER SYNDROME. Identifiers: Orphanet 193, MedGen C0265223, MONDO:0008999, OMIM 216550.

Submission:

Myriad Genetics, Inc.
Classification: Pathogenic for Cohen syndrome. Last evaluated: 2026-05-04. Review status: criteria provided, single submitter. Criteria: Myriad Autosomal Dominant, Autosomal Recessive and X-Linked Classification Criteria (2023). Collection method: clinical testing. Allele origin: unknown.
Comment: NM_017890.4(VPS13B):c.11711dupC(Q3905Tfs*34) is a frameshift variant classified as pathogenic in the context of Cohen syndrome. Q3905Tfs*34 has not been observed in cases with relevant disease. Relevant functional assessments of this variant are not available in the literature. Q3905Tfs*34 has not been observed in referenced population frequency databases. In summary, NM_017890.4(VPS13B):c.11711dupC(Q3905Tfs*34) is a frameshift variant in a gene where loss of function is a known mechanism of disease and is predicted to disrupt protein function. Please note: this variant was assessed in the context of healthy population screening.